The following is an entry in ClinVar:

NM_022437.3(ABCG8):c.997G>A (p.Glu333Lys)

Gene: ABCG8 (ATP binding cassette subfamily G member 8; plus strand). Cytogenetic location: 2p21.
Variant type: single nucleotide variant.
Coding change: c.997G>A on transcript NM_022437.3 (MANE Select); coding-DNA position 997, G replaced by A.
Protein change: p.Glu333Lys; replaces glutamic acid 333 with lysine.
Molecular consequence: missense variant.
Genome position (GRCh38, 1-based): chr2:43,872,008, G>A. VCF-style: chr2-43872008-G-A. GRCh37 (hg19) VCF-style: chr2-44099147-G-A.
Other names: c.997G>A, p.Glu333Lys (NM_001357321.2); short protein forms E333K.
Identifiers: ClinVar variation 2901031 (VCV002901031.3), dbSNP rs981127727, ClinGen allele CA46465003.

ClinVar aggregate classification (germline): Uncertain significance (1 of 4 stars; one submission).

Submission:

Labcorp Genetics (formerly Invitae), Labcorp
Classification: Uncertain significance. Last evaluated: 2024-08-21. Review status: criteria provided, single submitter. Criteria: Invitae Variant Classification Sherloc (09022015). Collection method: clinical testing. Allele origin: germline.
Comment: This sequence change replaces glutamic acid, which is acidic and polar, with lysine, which is basic and polar, at codon 333 of the ABCG8 protein (p.Glu333Lys). This variant is not present in population databases (gnomAD no frequency). This variant has not been reported in the literature in individuals affected with ABCG8-related conditions. Invitae Evidence Modeling of protein sequence and biophysical properties (such as structural, functional, and spatial information, amino acid conservation, physicochemical variation, residue mobility, and thermodynamic stability) indicates that this missense variant is not expected to disrupt ABCG8 protein function with a negative predictive value of 80%. In summary, the available evidence is currently insufficient to determine the role of this variant in disease. Therefore, it has been classified as a Variant of Uncertain Significance.